The following is an entry in ClinVar:

ClinVar aggregate classification (germline): Pathogenic/Likely pathogenic. Review status: criteria provided, multiple submitters, no conflicts (2 of 4 stars). 2 submissions from 2 submitters: Pathogenic (1); Likely pathogenic (1). Last evaluated 2022-05-17.

Conditions:
Hereditary spastic paraplegia 49 (HSAN9). Also called: Spastic paraplegia 49, autosomal recessive; TECPR2-Related Hereditary Sensory and Autonomic Neuropathy with Intellectual Disability; NEUROPATHY, HEREDITARY SENSORY AND AUTONOMIC, TYPE IX, WITH DEVELOPMENTAL DELAY. Identifiers: Orphanet 320385, MedGen C5190860, MONDO:0014016, OMIM 615031.

Submissions (2):

Labcorp Genetics (formerly Invitae), Labcorp
Classification: Pathogenic for Hereditary spastic paraplegia 49. Last evaluated: 2022-05-17. Review status: criteria provided, single submitter. Criteria: Invitae Variant Classification Sherloc (09022015). Collection method: clinical testing. Allele origin: germline.
Comment: This sequence change creates a premature translational stop signal (p.Gly584Glufs*62) in the TECPR2 gene. It is expected to result in an absent or disrupted protein product. Loss-of-function variants in TECPR2 are known to be pathogenic (PMID: 23176824, 25590979). This variant is not present in population databases (gnomAD no frequency). This variant has not been reported in the literature in individuals affected with TECPR2-related conditions. For these reasons, this variant has been classified as Pathogenic.

Dasa
Classification: Likely pathogenic for Hereditary spastic paraplegia 49. Last evaluated: 2022-02-05. Review status: criteria provided, single submitter. Criteria: ACMG Guidelines, 2015. Collection method: clinical testing. Allele origin: germline. Affected: yes. Observed: 1 variant allele.
Comment: The c.1751del;p.(Gly584Glufs*62) is a null frameshift variant (NMD) in the TECPR2 gene and predicts alteration of the nonsense-mediate decay - NMD is present in a relevant exon to the transcript - PVS1. The variant is present at low allele frequencies population databases (rs1345546964– gnomAD 0.00006575%; ABraOM no frequency) -PM2_supporting. In summary, the currently available evidence indicates that the variant is likely pathogenic.

Literature cited by the submitters: PubMed 23176824 (cited by Labcorp Genetics (formerly Invitae), Labcorp); PubMed 25590979 (cited by Labcorp Genetics (formerly Invitae), Labcorp).

NM_014844.5(TECPR2):c.1751del (p.Gly584fs)

Gene: TECPR2 (tectonin beta-propeller repeat containing 2; plus strand). Cytogenetic location: 14q32.31.
Variant type: Deletion.
Coding change: c.1751del on transcript NM_014844.5 (MANE Select); coding-DNA position 1751, one base deleted (G; older notation c.1751delG).
Protein change: p.Gly584fs; shifts the reading frame from glycine 584.
Molecular consequence: frameshift variant.
Genome position (GRCh38, 1-based): chr14:102,434,568, G deleted; the last of 2 consecutive G bases (chr14:102,434,567-102,434,568); deleting either gives the same sequence. VCF-style (leftmost placement, unchanged base first): chr14-102434566-TG-T. GRCh37 (hg19) VCF-style: chr14-102900903-TG-T.
Other names: c.1751del, p.Gly584fs (NM_001172631.3); short protein forms G584fs.
Identifiers: ClinVar variation 1339486 (VCV001339486.8), dbSNP rs1345546964, ClinGen allele CA703211812.
Genomic context (GRCh38, chr14:102,434,566, plus strand): 5'-AGATGACATTAGAACTGAAATGCCACACTGTCACCATGCACATGGGCGGGAGCTGCTCAA[TG>T]GAGCGAGGGAAGATGTGGGAGGCAGTGATGTCACGGGACTCGGAGATGAGCCGTGTCCTG-3'